The following is an entry in ClinVar:

NM_000038.6(APC):c.7531C>T (p.Leu2511Phe)

Gene: APC (APC regulator of Wnt signaling pathway; plus strand). Cytogenetic location: 5q22.2.
Variant type: single nucleotide variant.
Coding change: c.7531C>T on transcript NM_000038.6 (MANE Select); coding-DNA position 7531, C replaced by T.
Protein change: p.Leu2511Phe; replaces leucine 2511 with phenylalanine.
Molecular consequence: missense variant.
Genome position (GRCh38, 1-based): chr5:112,843,125, C>T. VCF-style: chr5-112843125-C-T. GRCh37 (hg19) VCF-style: chr5-112178822-C-T.
Other names: c.7531C>T, p.Leu2511Phe (NM_001127510.3, NM_001354895.2); c.7477C>T, p.Leu2493Phe (NM_001127511.3); c.7585C>T, p.Leu2529Phe (NM_001354896.2); c.7561C>T, p.Leu2521Phe (NM_001354897.2); c.7456C>T, p.Leu2486Phe (NM_001354898.2); c.7447C>T, p.Leu2483Phe (NM_001354899.2); c.7408C>T, p.Leu2470Phe (NM_001354900.2); c.7354C>T, p.Leu2452Phe (NM_001354901.2); and 5 more; short protein forms L2493F, L2511F, L2420F, L2452F, L2470F, L2486F, L2529F, L2228F.
Identifiers: ClinVar variation 186722 (VCV000186722.34), dbSNP rs72541815, ClinGen allele CA013771.

ClinVar aggregate classification (germline): Conflicting classifications of pathogenicity. Review status: criteria provided, conflicting classifications (1 of 4 stars). 10 submissions from 10 submitters: Uncertain significance (8); Likely benign (1). 1 of the submissions does not count toward it. Last evaluated 2025-12-08.

Conditions:
Classic or attenuated familial adenomatous polyposis. Identifiers: MedGen CN372698, MONDO:0021057.
Desmoid disease, hereditary (DESMD). Also called: FIBROMATOSIS, FAMILIAL INFILTRATIVE. Identifiers: Orphanet 873, MedGen C1851124, OMIM 135290. Disease mechanism: loss of function.
Gastric adenocarcinoma and proximal polyposis of the stomach (GAPPS). Also called: Polyposis, gastric, Dos Santos and de Magalhaes 1980; Gastric Adenocarcinoma and Proximal Polyposis of the Stomach (GAPPS); POLYPOSIS, GASTRIC. Identifiers: Orphanet 314022, MedGen C4749917, MONDO:0017790, OMIM 619182.
Hepatocellular carcinoma (HCC). Also called: Primary carcinoma of liver; HEPATOMA; LIVER CELL CARCINOMA. Identifiers: Orphanet 88673, MedGen C2239176, MONDO:0007256, OMIM 114550, HP:0001402.
Gastric cancer. Also called: Stomach cancer; Malignant tumor of stomach. Identifiers: MedGen C0024623, MeSH D013274, MONDO:0001056, OMIM 613659, HP:0012126.
Colorectal cancer. Also called: Colorectal cancer, somatic; Malignant Colorectal Neoplasm. Identifiers: MedGen C0346629, MONDO:0005575, OMIM 114500.
Familial adenomatous polyposis 1 (FAP1). Also called: FAMILIAL ADENOMATOUS POLYPOSIS 1, ATTENUATED; POLYPOSIS, ADENOMATOUS INTESTINAL. Identifiers: MedGen C2713442, MONDO:0021056, OMIM 175100. Disease mechanism: loss of function.
Hereditary cancer-predisposing syndrome. Also called: Tumor predisposition; Neoplastic Syndromes, Hereditary; Hereditary Cancer Syndrome; Hereditary neoplastic syndrome. Identifiers: Orphanet 140162, MedGen C0027672, MeSH D009386, MONDO:0015356.

Allele frequency attached by ClinVar (database versions not stated): ExAC 0.00002; gnomAD exomes 0.00002; TOPMed 0.00002; gnomAD 0.00003 and 0.00004; ESP Exome Variant Server 0.00008.
gnomAD v4.1: 12 of 1,613,908 alleles (0.00074%); highest among the groups gnomAD compares: Admixed American, 0.0017%; no homozygotes.

Submissions (10):

Labcorp Genetics (formerly Invitae), Labcorp
Classification: Uncertain significance for Familial adenomatous polyposis 1. Last evaluated: 2025-12-08. Review status: criteria provided, single submitter. Criteria: Invitae Variant Classification Sherloc (09022015). Collection method: clinical testing. Allele origin: germline.
Comment: This sequence change replaces leucine, which is neutral and non-polar, with phenylalanine, which is neutral and non-polar, at codon 2511 of the APC protein (p.Leu2511Phe). This variant is present in population databases (rs72541815, gnomAD 0.004%). This variant has not been reported in the literature in individuals affected with APC-related conditions. ClinVar contains an entry for this variant (Variation ID: 186722). Invitae Evidence Modeling of protein sequence and biophysical properties (such as structural, functional, and spatial information, amino acid conservation, physicochemical variation, residue mobility, and thermodynamic stability) indicates that this missense variant is not expected to disrupt APC protein function with a negative predictive value of 95%. In summary, the available evidence is currently insufficient to determine the role of this variant in disease. Therefore, it has been classified as a Variant of Uncertain Significance.

Color Diagnostics, LLC DBA Color Health
Classification: Uncertain significance for Hereditary cancer-predisposing syndrome. Last evaluated: 2024-08-19. Review status: criteria provided, single submitter. Criteria: ACMG Guidelines, 2015. Collection method: clinical testing. Allele origin: germline.
Comment: This missense variant replaces leucine with phenylalanine at codon 2511 of the APC protein. Computational prediction suggests that this variant may not impact protein structure and function (internally defined REVEL score threshold <= 0.5, PMID: 27666373). To our knowledge, functional studies have not been reported for this variant. This variant has not been reported in individuals affected with APC-related disorders in the literature. This variant has been identified in 5/282576 chromosomes in the general population by the Genome Aggregation Database (gnomAD). The available evidence is insufficient to determine the role of this variant in disease conclusively. Therefore, this variant is classified as a Variant of Uncertain Significance.

All of Us Research Program, National Institutes of Health
Classification: Uncertain significance for Classic or attenuated familial adenomatous polyposis. Last evaluated: 2024-08-06. Review status: criteria provided, single submitter. Criteria: ACMG Guidelines, 2015. Collection method: clinical testing. Allele origin: germline. Inheritance: Autosomal dominant inheritance. Observed: 3 variant alleles, 3 heterozygotes.
Comment: This study involves interpretation of variants in research participants for the purpose of population health screening. Participant phenotype was not available at the time of variant classification. Additional details can be found in publication PMID: 35346344, PMCID: PMC8962531

Fulgent Genetics
Classification: Uncertain significance for Colorectal cancer; Hepatocellular carcinoma; Desmoid disease, hereditary; Familial adenomatous polyposis 1; Gastric cancer; Gastric adenocarcinoma and proximal polyposis of the stomach. Last evaluated: 2024-05-14. Review status: criteria provided, single submitter. Criteria: ACMG Guidelines, 2015. Collection method: clinical testing. Allele origin: germline.

Baylor Genetics
Classification: Uncertain significance for Familial adenomatous polyposis 1. Last evaluated: 2024-03-29. Review status: criteria provided, single submitter. Criteria: ACMG Guidelines, 2015. Collection method: clinical testing. Allele origin: unknown.

Ambry Genetics
Classification: Likely benign for Hereditary cancer-predisposing syndrome. Last evaluated: 2023-06-07. Review status: criteria provided, single submitter. Criteria: Ambry Variant Classification Scheme 2023. Collection method: clinical testing. Allele origin: germline.

Myriad Genetics, Inc.
Classification: Uncertain significance for Familial adenomatous polyposis 1. Last evaluated: 2023-02-16. Review status: criteria provided, single submitter. Criteria: Myriad Autosomal Dominant, Autosomal Recessive and X-Linked Classification Criteria (2023). Collection method: clinical testing. Allele origin: unknown.
Comment: This variant is classified as a variant of uncertain significance as there is insufficient evidence to determine its impact on protein function and/or cancer risk.

Sema4
Classification: Uncertain significance for Hereditary cancer-predisposing syndrome. Last evaluated: 2021-09-16. Review status: criteria provided, single submitter. Criteria: Sema4 Curation Guidelines. Collection method: curation. Allele origin: germline.
Comment: The APC c.7531C>T (p.L2511F) variant has not been reported in the literature to our knowledge. This variant was observed in 4/128914 chromosomes in the Non-Finnish European population according to the Genome Aggregation Database (PMID: 32461654). The variant has been reported in ClinVar (Variation ID 186722). Functional studies have not been performed, and in silico predictions of the variant's effect on protein function are inconclusive. The evidence is insufficient to meet ACMG/AMP criteria for classifying the variant as benign or pathogenic. Thus, the clinical significance of this variant is currently uncertain.

GeneDx
Classification: Uncertain significance. Last evaluated: 2019-07-18. Review status: criteria provided, single submitter. Criteria: GeneDx Variant Classification Process June 2021. Collection method: clinical testing. Allele origin: germline. Affected: yes.
Comment: Not observed at a significant frequency in large population cohorts (Lek et al., 2016); In silico analysis, which includes protein predictors and evolutionary conservation, supports that this variant does not alter protein structure/function; Has not been previously published as pathogenic or benign to our knowledge

Counsyl
Classification: Uncertain significance for Familial adenomatous polyposis 1. Last evaluated: 2017-03-20. Review status: no assertion criteria provided. Collection method: clinical testing. Allele origin: unknown. Not counted in ClinVar's aggregate classification.